The following is an entry in ClinVar:

ClinVar aggregate classification (germline): Uncertain significance. Review status: criteria provided, multiple submitters, no conflicts (2 of 4 stars). 2 submissions from 2 submitters: Uncertain significance (2). Last evaluated 2025-11-07.

Conditions:
Infantile spasms. Also called: Infantile spasm. Identifiers: MedGen C3887898, HP:0012469.

Allele frequency attached by ClinVar (database versions not stated): gnomAD 0.00001; TOPMed 0.00001; gnomAD exomes 0.00003 and 0.00005; ExAC 0.00007.
gnomAD v4.1: 48 of 1,613,976 alleles (0.003%); highest among the groups gnomAD compares: South Asian, 0.04%; no homozygotes.

Submissions (2):

Ambry Genetics
Classification: Uncertain significance. Last evaluated: 2025-11-07. Review status: criteria provided, single submitter. Criteria: Ambry Variant Classification Scheme 2023. Collection method: clinical testing. Allele origin: germline.

Labcorp Genetics (formerly Invitae), Labcorp
Classification: Uncertain significance for Infantile spasms. Last evaluated: 2025-08-15. Review status: criteria provided, single submitter. Criteria: Invitae Variant Classification Sherloc (09022015). Collection method: clinical testing. Allele origin: germline.
Comment: This sequence change replaces proline, which is neutral and non-polar, with leucine, which is neutral and non-polar, at codon 170 of the PIK3AP1 protein (p.Pro170Leu). This variant is present in population databases (rs752904157, gnomAD 0.04%), and has an allele count higher than expected for a pathogenic variant. This variant has not been reported in the literature in individuals affected with PIK3AP1-related conditions. ClinVar contains an entry for this variant (Variation ID: 1024237). An algorithm developed to predict the effect of missense changes on protein structure and function outputs the following: PolyPhen-2: "Benign". The leucine amino acid residue is found in multiple mammalian species, which suggests that this missense change does not adversely affect protein function. In summary, the available evidence is currently insufficient to determine the role of this variant in disease. Therefore, it has been classified as a Variant of Uncertain Significance.

NM_152309.3(PIK3AP1):c.509C>T (p.Pro170Leu)

Gene: PIK3AP1 (phosphoinositide-3-kinase adaptor protein 1; minus strand). Cytogenetic location: 10q24.1.
Variant type: single nucleotide variant.
Coding change: c.509C>T on transcript NM_152309.3 (MANE Select); coding-DNA position 509, C replaced by T.
Protein change: p.Pro170Leu; replaces proline 170 with leucine.
Molecular consequence: missense variant.
Genome position (GRCh38, 1-based): chr10:96,656,856, G>A on the plus strand (C>T on the coding strand, the complement: PIK3AP1 is on the minus strand). VCF-style: chr10-96656856-G-A. GRCh37 (hg19) VCF-style: chr10-98416613-G-A.
Other names: c.509C>T (NM_152309.2); short protein forms P170L.
Identifiers: ClinVar variation 1024237 (VCV001024237.9), dbSNP rs752904157, ClinGen allele CA5626528.